The following is an entry in ClinVar:

ClinVar aggregate classification (germline): Uncertain significance (1 of 4 stars; one submission).

Conditions:
Focal segmental glomerulosclerosis 5 (FSGS5). Identifiers: Orphanet 656, MedGen C2750475, MONDO:0013191, OMIM 613237.
Charcot-Marie-Tooth disease dominant intermediate E. Also called: CHARCOT-MARIE-TOOTH NEUROPATHY WITH FOCAL SEGMENTAL GLOMERULONEPHRITIS. Identifiers: Orphanet 93114, MedGen C4302667, MONDO:0013758, OMIM 614455.

Submission:

Labcorp Genetics (formerly Invitae), Labcorp
Classification: Uncertain significance for Charcot-Marie-Tooth disease dominant intermediate E; Focal segmental glomerulosclerosis 5. Last evaluated: 2024-05-15. Review status: criteria provided, single submitter. Criteria: Invitae Variant Classification Sherloc (09022015). Collection method: clinical testing. Allele origin: germline.
Comment: This sequence change replaces glutamic acid, which is acidic and polar, with lysine, which is basic and polar, at codon 237 of the INF2 protein (p.Glu237Lys). This variant is not present in population databases (gnomAD no frequency). This variant has not been reported in the literature in individuals affected with INF2-related conditions. Advanced modeling of protein sequence and biophysical properties (such as structural, functional, and spatial information, amino acid conservation, physicochemical variation, residue mobility, and thermodynamic stability) has been performed at Invitae for this missense variant, however the output from this modeling did not meet the statistical confidence thresholds required to predict the impact of this variant on INF2 protein function. In summary, the available evidence is currently insufficient to determine the role of this variant in disease. Therefore, it has been classified as a Variant of Uncertain Significance.

NM_022489.4(INF2):c.709G>A (p.Glu237Lys)

Gene: INF2 (inverted formin 2; plus strand). Cytogenetic location: 14q32.33.
Variant type: single nucleotide variant.
Coding change: c.709G>A on transcript NM_022489.4 (MANE Select); coding-DNA position 709, G replaced by A.
Protein change: p.Glu237Lys; replaces glutamic acid 237 with lysine.
Molecular consequence: missense variant. On other transcripts: non-coding transcript variant (1).
Genome position (GRCh38, 1-based): chr14:104,706,042, G>A. VCF-style: chr14-104706042-G-A. GRCh37 (hg19) VCF-style: chr14-105172379-G-A.
Other names: c.709G>A, p.Glu237Lys (NM_001031714.4, NM_001426862.1, NM_001426863.1 and 2 more transcripts); short protein forms E237K.
Identifiers: ClinVar variation 3761179 (VCV003761179.2).
Genomic context (GRCh38, chr14:104,706,042, plus strand): 5'-GCGTGTTGGTGGTGGCAGCAGCAGGCTTAGCCCACCTGGCCCCTCCTGCACAGAGACCTG[G>A]AGGATGCCGACCTGCTGATCCAGCTGGAGGCTTTCGAGGAGGCTAAGGCCGAGGACGAGG-3'
Protein context (NP_071934.3, residues 227-247): LDVLARLRDL[Glu237Lys]DADLLIQLEA